The following is an entry in ClinVar:

NM_003924.4(PHOX2B):c.440A>G (p.Gln147Arg)

Gene: PHOX2B (paired like homeobox 2B; minus strand). Cytogenetic location: 4p13.
Variant type: single nucleotide variant.
Coding change: c.440A>G on transcript NM_003924.4 (MANE Select); coding-DNA position 440, A replaced by G.
Protein change: p.Gln147Arg; replaces glutamine 147 with arginine.
Molecular consequence: missense variant.
Genome position (GRCh38, 1-based): chr4:41,746,312, T>C on the plus strand (A>G on the coding strand, the complement: PHOX2B is on the minus strand). VCF-style: chr4-41746312-T-C. GRCh37 (hg19) VCF-style: chr4-41748329-T-C.
Other names: short protein forms Q147R.
Identifiers: ClinVar variation 1320316 (VCV001320316.3), dbSNP rs2153112821, ClinGen allele CA356738839.

ClinVar aggregate classification (germline): Conflicting classifications of pathogenicity. Review status: criteria provided, conflicting classifications (1 of 4 stars). 2 submissions from 2 submitters: Likely pathogenic (1); Uncertain significance (1). Last evaluated 2021-09-08.

Conditions:
Hereditary cancer-predisposing syndrome. Also called: Neoplastic Syndromes, Hereditary; Tumor predisposition; Hereditary Cancer Syndrome; Hereditary neoplastic syndrome. Identifiers: Orphanet 140162, MedGen C0027672, MeSH D009386, MONDO:0015356.
Congenital central hypoventilation. Also called: Congenital Central Hypoventilation Syndrome. Identifiers: Orphanet 661, Orphanet 99803, MedGen C1275808, MONDO:0800031. Disease mechanism: gain of function.

Submissions (2):

HudsonAlpha Institute for Biotechnology
Classification: Likely pathogenic for Central hypoventilation syndrome, congenital, 1, with or without Hirschsprung disease. Last evaluated: 2021-09-08. Review status: criteria provided, single submitter. Criteria: ACMG Guidelines, 2015. Collection method: research. Allele origin: de novo. Affected: yes. Observed: 1 variant allele. Study: CSER-SouthSeq.
Comment: ACMG codes: PS2; PM2; PP3

Ambry Genetics
Classification: Uncertain significance for Hereditary cancer-predisposing syndrome. Last evaluated: 2021-07-23. Review status: criteria provided, single submitter. Criteria: Ambry Variant Classification Scheme 2023. Collection method: clinical testing. Allele origin: germline.
Comment: The p.Q147R variant (also known as c.440A>G), located in coding exon 3 of the PHOX2B gene, results from an A to G substitution at nucleotide position 440. The glutamine at codon 147 is replaced by arginine, an amino acid with highly similar properties. This amino acid position is highly conserved in available vertebrate species. In addition, this alteration is predicted to be deleterious by in silico analysis. Since supporting evidence is limited at this time, the clinical significance of this alteration remains unclear.